The following is an entry in ClinVar:

ClinVar aggregate classification (germline): Pathogenic (1 of 4 stars; one submission).

Conditions:
Lipid proteinosis. Also called: lipoid proteinosis; HYALINOSIS CUTIS ET MUCOSAE; Lipoid Proteinosis of Urbach and Wiethe; Urbach Wiethe disease. Identifiers: Orphanet 530, MedGen C0023795, MONDO:0009530, OMIM 247100.

Submission:

3billion
Classification: Pathogenic for Lipid proteinosis. Last evaluated: 2026-01-08. Review status: criteria provided, single submitter. Criteria: ACMG Guidelines, 2015. Collection method: clinical testing. Allele origin: germline. Affected: yes.
Comment: The variant is not observed in the gnomAD v4.1.0 dataset. Predicted Consequence/Location: Stop-gained (nonsense): predicted to result in a loss or disruption of normal protein function through nonsense-mediated decay (NMD) or protein truncation. Multiple pathogenic variants are reported downstream of the variant. Therefore, this variant is classified as Pathogenic according to the recommendation of ACMG/AMP guideline.

NM_004425.4(ECM1):c.1085G>A (p.Trp362Ter)

Gene: ECM1 (extracellular matrix protein 1; plus strand). Cytogenetic location: 1q21.2.
Variant type: single nucleotide variant.
Coding change: c.1085G>A on transcript NM_004425.4 (MANE Select); coding-DNA position 1085, G replaced by A.
Protein change: p.Trp362Ter; replaces tryptophan 362 with a stop codon.
Molecular consequence: nonsense.
Genome position (GRCh38, 1-based): chr1:150,512,353, G>A. VCF-style: chr1-150512353-G-A. GRCh37 (hg19) VCF-style: chr1-150484829-G-A.
Other names: c.1166G>A, p.Trp389Ter (NM_001202858.2); c.710G>A, p.Trp237Ter (NM_022664.3); short protein forms W237*, W362*, W389*.
Identifiers: ClinVar variation 4855518 (VCV004855518.1).